The following is an entry in ClinVar:

NM_018122.5(DARS2):c.1083_1086del (p.Lys362fs)

Gene: DARS2 (aspartyl-tRNA synthetase 2, mitochondrial; plus strand). Cytogenetic location: 1q25.1.
Variant type: Deletion.
Coding change: c.1083_1086del on transcript NM_018122.5 (MANE Select); coding-DNA positions 1083 to 1086, 4 bases deleted (TAAG; older notation c.1083_1086delTAAG).
Protein change: p.Lys362fs; shifts the reading frame from lysine 362.
Molecular consequence: frameshift variant.
Genome position (GRCh38, 1-based): chr1:173,840,928-173,840,931, TAAG deleted; deleting any 4 consecutive bases within chr1:173,840,926-173,840,931 gives the same sequence; the c. name uses the placement nearest the transcript's 3' end. VCF-style (leftmost placement, unchanged base first): chr1-173840925-TAGTA-T. GRCh37 (hg19) VCF-style: chr1-173810063-TAGTA-T.
Other names: NM_018122.5(DARS2):c.1083_1086del; p.Lys362fs; c.1083_1086del, p.Lys362fs (NM_001365212.1, NM_001365213.2); short protein forms K362fs.
Identifiers: ClinVar variation 2087105 (VCV002087105.5), dbSNP rs781336428, ClinGen allele CA1250309.

ClinVar aggregate classification (germline): Pathogenic/Likely pathogenic. Review status: criteria provided, multiple submitters, no conflicts (2 of 4 stars). 2 submissions from 2 submitters: Pathogenic (1); Likely pathogenic (1). Last evaluated 2025-01-21.

Conditions:
Leukoencephalopathy with brain stem and spinal cord involvement-high lactate syndrome (LBSL). Also called: LEUKOENCEPHALOPATHY WITH BRAINSTEM AND SPINAL CORD INVOLVEMENT AND LACTATE ELEVATION, MILD; Leukoencephalopathy with Brainstem and Spinal Cord Involvement and Lactate Elevation; MITOCHONDRIAL ASPARTYL-tRNA SYNTHETASE DEFICIENCY. Identifiers: Orphanet 137898, MedGen C1970180, MONDO:0012622, OMIM 611105.

Submissions (2):

Broad Center for Mendelian Genomics, Broad Institute of MIT and Harvard
Classification: Likely pathogenic for Leukoencephalopathy with brain stem and spinal cord involvement-high lactate syndrome. Last evaluated: 2025-01-21. Review status: criteria provided, single submitter. Criteria: ACMG Guidelines, 2015. Collection method: curation. Allele origin: germline. Inheritance: Autosomal recessive inheritance.
Comment: The p.Lys362ProfsTer5 variant in DARS2 has not been previously reported in the literature in individuals with leukoencephalopathy with brain stem and spinal cord involvement-high lactate syndrome, and has been identified in 0.0005% (1/1179162) of European (non-Finnish) chromosomes by the Genome Aggregation Database (gnomAD; dbSNP rs781336428). Although this variant has been seen in the general population in a heterozygous state, its frequency is low enough to be consistent with a recessive carrier frequency. This variant has also been reported in ClinVar (Variation ID: 2087105) and has been interpreted as pathogenic by Invitae. This variant is predicted to cause a frameshift, which alters the protein's amino acid sequence beginning at position 362 and leads to a premature termination codon 5 amino acids downstream. This alteration is then predicted to lead to a truncated or absent protein. Loss of function of the DARS2 gene is an established disease mechanism in autosomal recessive leukoencephalopathy with brain stem and spinal cord involvement-high lactate syndrome. In summary, although additional studies are required to fully establish its clinical significance, this variant is likely pathogenic for autosomal recessive leukoencephalopathy with brain stem and spinal cord involvement-high lactate syndrome. ACMG/AMP Criteria applied: PVS1, PM2_supporting (Richards 2015).

Labcorp Genetics (formerly Invitae), Labcorp
Classification: Pathogenic. Last evaluated: 2022-02-09. Review status: criteria provided, single submitter. Criteria: Invitae Variant Classification Sherloc (09022015). Collection method: clinical testing. Allele origin: germline.
Comment: For these reasons, this variant has been classified as Pathogenic. This variant has not been reported in the literature in individuals affected with DARS2-related conditions. This variant is present in population databases (rs781336428, gnomAD 0.0009%). This sequence change creates a premature translational stop signal (p.Lys362Profs*5) in the DARS2 gene. It is expected to result in an absent or disrupted protein product. Loss-of-function variants in DARS2 are known to be pathogenic (PMID: 17384640, 24566671).

Literature cited by the submitters: PubMed 17384640 (cited by Labcorp Genetics (formerly Invitae), Labcorp); PubMed 24566671 (cited by Labcorp Genetics (formerly Invitae), Labcorp).